The following is an entry in ClinVar:

ClinVar aggregate classification (germline): Benign/Likely benign. Review status: criteria provided, multiple submitters, no conflicts (2 of 4 stars). 5 submissions from 5 submitters: Benign (1); Likely benign (3). 1 of the submissions does not count toward it. Last evaluated 2019-12-31.

Conditions:
USH1C-related disorder. Also called: USH1C-related condition.

Allele frequency attached by ClinVar (database versions not stated): gnomAD 0.00007; TOPMed 0.00009; ExAC 0.00012; ESP Exome Variant Server 0.00015.

Submissions (5):

Labcorp Genetics (formerly Invitae), Labcorp
Classification: Benign. Last evaluated: 2019-12-31. Review status: criteria provided, single submitter. Criteria: Invitae Variant Classification Sherloc (09022015). Collection method: clinical testing. Allele origin: germline.

GeneDx
Classification: Likely benign. Last evaluated: 2018-12-12. Review status: criteria provided, single submitter. Criteria: GeneDx Variant Classification Process June 2021. Collection method: clinical testing. Allele origin: germline. Affected: yes.

Laboratory for Molecular Medicine, Mass General Brigham Personalized Medicine
Classification: Likely benign. Last evaluated: 2014-11-03. Review status: criteria provided, single submitter. Criteria: LMM Criteria. Collection method: clinical testing. Allele origin: germline. Observed: 1 variant allele.
Comment: p.Arg864Gln in exon 26 of USH1C: This variant is not expected to have clinical s ignificance due to a lack of conservation across species, including mammals. Of note, Tibetan antelope, domestic goat, cat, elephant, manatee, and tenrec have a glutamine at this position despite high nearby amino acid conservation. In addi tion, additional computational prediction tools do not suggest a high likelihood of impact to the protein. This variant has also been identified in 0.02% (2/858 6) of European American chromosomes by the NHLBI Exome Sequencing Project (dbSNP rs374696855).

Breakthrough Genomics
Classification: Likely benign. Review status: criteria provided, single submitter. Criteria: ACMG Guidelines, 2015. Collection method: not provided. Allele origin: germline. Inheritance: Autosomal recessive inheritance. Affected: yes.

PreventionGenetics, part of Exact Sciences
Classification: Likely benign for USH1C-related condition. Last evaluated: 2024-09-20. Review status: no assertion criteria provided. Collection method: clinical testing. Allele origin: germline. Not counted in ClinVar's aggregate classification.
Comment: This variant is classified as likely benign based on ACMG/AMP sequence variant interpretation guidelines (Richards et al. 2015 PMID: 25741868, with internal and published modifications).

NM_153676.4(USH1C):c.2591G>A (p.Arg864Gln)

Gene: USH1C (USH1 protein network component harmonin; minus strand). Cytogenetic location: 11p15.1.
Variant type: single nucleotide variant.
Coding change: c.2591G>A on transcript NM_153676.4 (MANE Select); coding-DNA position 2591, G replaced by A.
Protein change: p.Arg864Gln; replaces arginine 864 with glutamine.
Molecular consequence: missense variant. On other transcripts: intron variant (2).
Genome position (GRCh38, 1-based): chr11:17,495,633, C>T on the plus strand (G>A on the coding strand, the complement: USH1C is on the minus strand). VCF-style: chr11-17495633-C-T. GRCh37 (hg19) VCF-style: chr11-17517180-C-T.
Other names: c.1589+1125G>A (NM_001297764.2); c.1646+1125G>A (NM_005709.4); short protein forms R864Q.
Identifiers: ClinVar variation 180086 (VCV000180086.13), dbSNP rs374696855, ClinGen allele CA185779.